The following is an entry in ClinVar:

NM_000052.7(ATP7A):c.2450C>T (p.Ala817Val)

Gene: ATP7A (ATPase copper transporting alpha; plus strand). Cytogenetic location: Xq21.1.
Variant type: single nucleotide variant.
Coding change: c.2450C>T on transcript NM_000052.7 (MANE Select); coding-DNA position 2450, C replaced by T.
Protein change: p.Ala817Val; replaces alanine 817 with valine.
Molecular consequence: missense variant.
Genome position (GRCh38, 1-based): chrX:78,014,705, C>T. VCF-style: chrX-78014705-C-T. GRCh37 (hg19) VCF-style: chrX-77270202-C-T.
Other names: c.2216C>T, p.Ala739Val (NM_001282224.2); c.2450C>T (NM_000052.6); short protein forms A817V, A739V.
Identifiers: ClinVar variation 1523985 (VCV001523985.9), dbSNP rs781879594, ClinGen allele CA331098150.

ClinVar aggregate classification (germline): Uncertain significance. Review status: criteria provided, multiple submitters, no conflicts (2 of 4 stars). 2 submissions from 2 submitters: Uncertain significance (2). Last evaluated 2026-05-29.

Conditions:
ATP7A-related disorder. Also called: ATP7A-related condition.
Menkes kinky-hair syndrome (MNK). Also called: Menkes Disease; Copper transport disease; Classic Menkes Disease. Identifiers: Orphanet 565, MedGen C0022716, MONDO:0010651, OMIM 309400.
X-linked distal spinal muscular atrophy type 3. Also called: ATP7A-Related Distal Motor Neuropathy; SPINAL MUSCULAR ATROPHY, DISTAL, X-LINKED RECESSIVE; NEUROPATHY, DISTAL HEREDITARY MOTOR, X-LINKED; NEURONOPATHY, DISTAL HEREDITARY MOTOR, X-LINKED. Identifiers: Orphanet 139557, MedGen C1845359, MONDO:0010338, OMIM 300489.
Cutis laxa, X-linked (OHS). Also called: EDS IX; Occipital horn syndrome. Identifiers: Orphanet 198, MedGen C0268353, MONDO:0010572, OMIM 304150.

Allele frequency attached by ClinVar (database versions not stated): TOPMed below 0.00001; gnomAD exomes 0.00001.
gnomAD v4.1: 8 of 1,209,096 alleles (0.00066%); highest among the groups gnomAD compares: Non-Finnish European, 0.0009%; no homozygotes.

Submissions (2):

PreventionGenetics, part of Exact Sciences
Classification: Uncertain significance for ATP7A-related condition. Last evaluated: 2026-05-29. Review status: criteria provided, single submitter. Criteria: ACMG Guidelines, 2015. Collection method: clinical testing. Allele origin: germline.
Comment: The ATP7A c.2450C>T variant is predicted to result in the amino acid substitution p.Ala817Val. To our knowledge, this variant has not been reported in the literature or in a large population database (gnomAD), indicating this variant is rare. At this time, the clinical significance of this variant is uncertain due to the absence of conclusive functional and genetic evidence.

Labcorp Genetics (formerly Invitae), Labcorp
Classification: Uncertain significance for X-linked distal spinal muscular atrophy type 3; Cutis laxa, X-linked; Menkes kinky-hair syndrome. Last evaluated: 2024-09-01. Review status: criteria provided, single submitter. Criteria: Invitae Variant Classification Sherloc (09022015). Collection method: clinical testing. Allele origin: germline.
Comment: This sequence change replaces alanine, which is neutral and non-polar, with valine, which is neutral and non-polar, at codon 817 of the ATP7A protein (p.Ala817Val). This variant is not present in population databases (gnomAD no frequency). This variant has not been reported in the literature in individuals affected with ATP7A-related conditions. ClinVar contains an entry for this variant (Variation ID: 1523985). Invitae Evidence Modeling of protein sequence and biophysical properties (such as structural, functional, and spatial information, amino acid conservation, physicochemical variation, residue mobility, and thermodynamic stability) indicates that this missense variant is not expected to disrupt ATP7A protein function with a negative predictive value of 95%. In summary, the available evidence is currently insufficient to determine the role of this variant in disease. Therefore, it has been classified as a Variant of Uncertain Significance.